The following is an entry in ClinVar:

NM_000271.5(NPC1):c.3394G>A (p.Ala1132Thr)

Gene: NPC1 (NPC intracellular cholesterol transporter 1; minus strand). Cytogenetic location: 18q11.2.
Variant type: single nucleotide variant.
Coding change: c.3394G>A on transcript NM_000271.5 (MANE Select); coding-DNA position 3394, G replaced by A.
Protein change: p.Ala1132Thr; replaces alanine 1132 with threonine.
Molecular consequence: missense variant.
Genome position (GRCh38, 1-based): chr18:23,535,552, C>T on the plus strand (G>A on the coding strand, the complement: NPC1 is on the minus strand). VCF-style: chr18-23535552-C-T. GRCh37 (hg19) VCF-style: chr18-21115516-C-T.
Other names: short protein forms A1132T.
Identifiers: ClinVar variation 1417101 (VCV001417101.7), dbSNP rs1046046139, ClinGen allele CA297079175.

ClinVar aggregate classification (germline): Conflicting classifications of pathogenicity. Review status: criteria provided, conflicting classifications (1 of 4 stars). 3 submissions from 3 submitters: Pathogenic (1); Uncertain significance (2). Last evaluated 2024-12-18.

Conditions:
Niemann-Pick disease, type C1. Also called: NIEMANN-PICK DISEASE, VARIANT TYPE C1; NEUROVISCERAL STORAGE DISEASE WITH VERTICAL SUPRANUCLEAR OPHTHALMOPLEGIA; NIEMANN-PICK DISEASE WITH CHOLESTEROL ESTERIFICATION BLOCK; NIEMANN-PICK DISEASE WITHOUT SPHINGOMYELINASE DEFICIENCY; NIEMANN-PICK DISEASE, CHRONIC NEURONOPATHIC FORM. Identifiers: Orphanet 646, MedGen C3179455, MONDO:0009757, OMIM 257220.

Allele frequency attached by ClinVar (database versions not stated): gnomAD 0.00001; gnomAD exomes 0.00001 and 0.00002; TOPMed 0.00002.
gnomAD v4.1: 18 of 1,613,914 alleles (0.0011%); highest among the groups gnomAD compares: East Asian, 0.0067%; no homozygotes.

Submissions (3):

3billion
Classification: Uncertain significance for Niemann-Pick disease, type C1. Last evaluated: 2024-12-18. Review status: criteria provided, single submitter. Criteria: ACMG Guidelines, 2015. Collection method: clinical testing. Allele origin: germline. Affected: yes.
Comment: The variant is observed at an extremely low frequency in the gnomAD v4.1.0 dataset (total allele frequency: 0.001%). Predicted Consequence/Location: Missense variant In silico tool predictions suggest damaging effect of the variant on gene or gene product [3Cnet: 0.68 (>=0.6, sensitivity 0.72 and precision 0.9)]. A different missense change at the same codon (p.Ala1132Pro) has been reported to be associated with NPC1-related disorder (PMID: 23701245). However the evidence of pathogenicity is insufficient at this time. Therefore, this variant is classified as VUS according to the recommendation of ACMG/AMP guideline.

Labcorp Genetics (formerly Invitae), Labcorp
Classification: Uncertain significance for Niemann-Pick disease, type C1. Last evaluated: 2022-05-12. Review status: criteria provided, single submitter. Criteria: Invitae Variant Classification Sherloc (09022015). Collection method: clinical testing. Allele origin: germline.
Comment: This sequence change replaces alanine, which is neutral and non-polar, with threonine, which is neutral and polar, at codon 1132 of the NPC1 protein (p.Ala1132Thr). This variant is present in population databases (no rsID available, gnomAD 0.008%). This variant has not been reported in the literature in individuals affected with NPC1-related conditions. Advanced modeling of protein sequence and biophysical properties (such as structural, functional, and spatial information, amino acid conservation, physicochemical variation, residue mobility, and thermodynamic stability) performed at Invitae indicates that this missense variant is not expected to disrupt NPC1 protein function. In summary, the available evidence is currently insufficient to determine the role of this variant in disease. Therefore, it has been classified as a Variant of Uncertain Significance.

Mendelics
Classification: Pathogenic for Niemann-Pick disease, type C1. Last evaluated: 2022-05-04. Review status: criteria provided, single submitter. Criteria: Mendelics Assertion Criteria 2019. Collection method: clinical testing. Allele origin: germline.

Literature cited by the submitters: PubMed 23701245 (cited by 3billion).